The following is an entry in ClinVar:

NM_000492.4(CFTR):c.4252del (p.Glu1418fs)

Genes: CFTR (CF transmembrane conductance regulator; plus strand), LOC111674477 (CFTR intron 23 enhancer; plus strand). Cytogenetic location: 7q31.2.
Variant type: Deletion.
Coding change: c.4252del on transcript NM_000492.4 (MANE Select); coding-DNA position 4252, one base deleted (G; older notation c.4252delG).
Protein change: p.Glu1418fs; shifts the reading frame from glutamic acid 1418.
Molecular consequence: frameshift variant.
Genome position (GRCh38, 1-based): chr7:117,666,917, G deleted. VCF-style (leftmost placement, unchanged base first): chr7-117666916-AG-A. GRCh37 (hg19) VCF-style: chr7-117306970-AG-A.
Other names: c.4252delG (NM_000492.3, NM_000492.4); short protein forms E1418fs.
Identifiers: ClinVar variation 557586 (VCV000557586.6), dbSNP rs1554397750, ClinGen allele CA658821706.
Genomic context (GRCh38, chr7:117,666,916, plus strand): 5'-TCTGGTCTGACCTGCCTTCTGTCCCAGATCTCACTAACAGCCATTTCCCTAGGTCATAGA[AG>A]AGAACAAAGTGCGGCAGTACGATTCCATCCAGAAACTGCTGAACGAGAGGAGCCTCTTCC-3'

ClinVar aggregate classification (germline): Pathogenic/Likely pathogenic. Review status: criteria provided, multiple submitters, no conflicts (2 of 4 stars). 4 submissions from 4 submitters: Pathogenic (2); Likely pathogenic (1). 1 of the submissions does not count toward it. Last evaluated 2025-05-30.

Conditions:
Cystic fibrosis (CF). Also called: MUCOVISCIDOSIS. Identifiers: Orphanet 586, MedGen C0010674, MONDO:0009061, OMIM 219700. Disease mechanism: loss of function.
CFTR-related disorder (CFTR-RD). Also called: CFTR-related disorders; CFTR-related condition. Identifiers: MedGen C5924204, MONDO:7770004.

Allele frequency attached by ClinVar (database versions not stated): gnomAD 0.00001.

Submissions (4):

Labcorp Genetics (formerly Invitae), Labcorp
Classification: Pathogenic for Cystic fibrosis. Last evaluated: 2025-05-30. Review status: criteria provided, single submitter. Criteria: Invitae Variant Classification Sherloc (09022015). Collection method: clinical testing. Allele origin: germline.
Comment: This sequence change creates a premature translational stop signal (p.Glu1418Argfs*14) in the CFTR gene. While this is not anticipated to result in nonsense mediated decay, it is expected to disrupt the last 63 amino acid(s) of the CFTR protein. This variant is not present in population databases (gnomAD no frequency). A different variant (c.4251del) giving rise to the same protein effect has been determined to be pathogenic (PMID: 7691344, 15638824, 23974870). This suggests that this variant is also likely to be causative of disease. ClinVar contains an entry for this variant (Variation ID: 557586). This variant disrupts a region of the CFTR protein in which other variant(s) (p.Gln1476*) have been determined to be pathogenic (PMID: 11938439, 22020151, 25910067, 28544683, 30444886). This suggests that this is a clinically significant region of the protein, and that variants that disrupt it are likely to be disease-causing. For these reasons, this variant has been classified as Pathogenic.

Natera, Inc.
Classification: Likely pathogenic for CFTR-related disorders. Last evaluated: 2025-05-22. Review status: criteria provided, single submitter. Criteria: Natera Variant Classification Schema (03/2026). Collection method: clinical testing. Allele origin: germline.
Comment: The c.4252delG variant in CFTR is a frameshift variant predicted to shift the reading frame beginning at codon 1418 and leads to a stop codon 14 codons downstream. This variant is expected to result in nonsense mediated decay, truncation, or a dysfunctional protein product. This variant is rare in the general population with a frequency below the threshold expected for the associated phenotype(s). This variant has been observed in one or more individuals affected with the associated recessive disease, as either homozygous or compound heterozygous with a second variant (PMID: 38248793). Given the available evidence, this variant is classified as Likely Pathogenic.

Women's Health and Genetics/Laboratory Corporation of America, LabCorp
Classification: Pathogenic for Cystic fibrosis. Last evaluated: 2024-11-07. Review status: criteria provided, single submitter. Criteria: LabCorp Variant Classification Summary - May 2015. Collection method: clinical testing. Allele origin: germline.
Comment: Variant summary: CFTR c.4252delG (p.Glu1418ArgfsX14) results in a premature termination codon, predicted to cause a truncation of the encoded protein or absence of the protein due to nonsense mediated decay, which are commonly known mechanisms for disease. The variant was absent in 250512 control chromosomes. c.4252delG has been reported in the literature in individuals affected with Cystic Fibrosis (example, Bacalhau_2024). Additionally, at least 1 downstream non-NMD variant (p.Gln1476*) has been classified as pathogenic by Labcorp, suggesting that loss of this region is deleterious. The following publication has been ascertained in the context of this evaluation (PMID: 38248793). ClinVar contains an entry for this variant (Variation ID: 557586). Based on the evidence outlined above, the variant was classified as pathogenic.

Counsyl
Classification: Likely pathogenic for Cystic fibrosis. Last evaluated: 2018-04-02. Review status: no assertion criteria provided. Collection method: clinical testing. Allele origin: unknown. Not counted in ClinVar's aggregate classification.

Literature cited by the submitters: PubMed 7691344 (cited by Labcorp Genetics (formerly Invitae), Labcorp); PubMed 15638824 (cited by Labcorp Genetics (formerly Invitae), Labcorp); PubMed 23974870 (cited by Labcorp Genetics (formerly Invitae), Labcorp); PubMed 2 (cited by Labcorp Genetics (formerly Invitae), Labcorp); PubMed 11938439 (cited by Labcorp Genetics (formerly Invitae), Labcorp); PubMed 22020151 (cited by Labcorp Genetics (formerly Invitae), Labcorp); PubMed 25910067 (cited by Labcorp Genetics (formerly Invitae), Labcorp); PubMed 28544683 (cited by Labcorp Genetics (formerly Invitae), Labcorp); PubMed 30444886 (cited by Labcorp Genetics (formerly Invitae), Labcorp); PubMed 38248793 (cited by Natera, Inc. and Women's Health and Genetics/Laboratory Corporation of America, LabCorp).